The following is an entry in ClinVar:

ClinVar aggregate classification (germline): Conflicting classifications of pathogenicity. Review status: criteria provided, conflicting classifications (1 of 4 stars). 5 submissions from 5 submitters: Uncertain significance (4); Likely benign (1). Last evaluated 2026-04-15.

Conditions:
WFS1-related disorder. Identifiers: MedGen CN379391, MONDO:0700293.
Monogenic diabetes. Identifiers: Orphanet 183625, MedGen C3888631, MONDO:0015967.
Wolfram syndrome 1 (WFS1). Identifiers: Orphanet 3463, MedGen C4551693, MONDO:0009101, OMIM 222300.

Allele frequency attached by ClinVar (database versions not stated): gnomAD exomes 0.00001; gnomAD 0.00002; TOPMed 0.00002.
gnomAD v4.1: 7 of 1,613,982 alleles (0.00043%); highest among the groups gnomAD compares: African/African-American, 0.0053%; no homozygotes.

Submissions (5):

PreventionGenetics, part of Exact Sciences
Classification: Uncertain significance for WFS1-related condition. Last evaluated: 2026-04-15. Review status: criteria provided, single submitter. Criteria: ACMG Guidelines, 2015. Collection method: clinical testing. Allele origin: germline.
Comment: The WFS1 c.1896G>T variant is predicted to result in the amino acid substitution p.Met632Ile. To our knowledge, this variant has not been reported in the literature. This variant is reported in 0.0062% of alleles in individuals of African descent in gnomAD. At this time, the clinical significance of this variant is uncertain due to the absence of conclusive functional and genetic evidence.

Labcorp Genetics (formerly Invitae), Labcorp
Classification: Uncertain significance. Last evaluated: 2025-10-13. Review status: criteria provided, single submitter. Criteria: Invitae Variant Classification Sherloc (09022015). Collection method: clinical testing. Allele origin: germline.
Comment: This sequence change replaces methionine, which is neutral and non-polar, with isoleucine, which is neutral and non-polar, at codon 632 of the WFS1 protein (p.Met632Ile). This variant is present in population databases (no rsID available, gnomAD 0.007%). This variant has not been reported in the literature in individuals affected with WFS1-related conditions. ClinVar contains an entry for this variant (Variation ID: 393390). Invitae Evidence Modeling of protein sequence and biophysical properties (such as structural, functional, and spatial information, amino acid conservation, physicochemical variation, residue mobility, and thermodynamic stability) indicates that this missense variant is not expected to disrupt WFS1 protein function with a negative predictive value of 80%. In summary, the available evidence is currently insufficient to determine the role of this variant in disease. Therefore, it has been classified as a Variant of Uncertain Significance.

Blueprint Genetics
Classification: Uncertain significance. Last evaluated: 2022-04-11. Review status: criteria provided, single submitter. Criteria: ACMG Guidelines, 2015. Collection method: clinical testing. Allele origin: germline.

Personalized Diabetes Medicine Program, University of Maryland School of Medicine
Classification: Uncertain significance for Monogenic diabetes. Last evaluated: 2016-04-22. Review status: criteria provided, single submitter. Criteria: ACMG Guidelines, 2015. Collection method: research. Allele origin: unknown. Observed: 1 variant allele, 1 heterozygote.
Comment: ACMG Criteria: PM2, BP4

Clinical Genomics, Uppaluri K&H Personalized Medicine Clinic
Classification: Likely benign for Wolfram syndrome 1. Review status: criteria provided, single submitter. Criteria: K & H Uppaluri Personalized Medicine Clinic Variant Classification & Assertion Criteria_Updated V.1. Collection method: research. Allele origin: unknown. Inheritance: Autosomal recessive inheritance.
Comment: Potent mutations in WFS1 gene are associated with Wolfram's syndrome, an autosomal recessive condition, which cause diabetes mellitus, diabetes insipidus, deafness and optic atrophy. However no sufficient evidence is found to ascertain the role of this particular variant rs1057524890 in Wolfram's syndrome yet.

Literature cited by the submitters: PubMed 20738327 (cited by Clinical Genomics, Uppaluri K&H Personalized Medicine Clinic); PubMed 33879153 (cited by Clinical Genomics, Uppaluri K&H Personalized Medicine Clinic); PubMed 12955714 (cited by Clinical Genomics, Uppaluri K&H Personalized Medicine Clinic); PubMed 18060660 (cited by Clinical Genomics, Uppaluri K&H Personalized Medicine Clinic); PubMed 20301750 (cited by Clinical Genomics, Uppaluri K&H Personalized Medicine Clinic); PubMed 17603484 (cited by Clinical Genomics, Uppaluri K&H Personalized Medicine Clinic).

NM_006005.3(WFS1):c.1896G>T (p.Met632Ile)

Gene: WFS1 (wolframin ER transmembrane glycoprotein; plus strand). Cytogenetic location: 4p16.1.
Variant type: single nucleotide variant.
Coding change: c.1896G>T on transcript NM_006005.3 (MANE Select); coding-DNA position 1896, G replaced by T.
Protein change: p.Met632Ile; replaces methionine 632 with isoleucine.
Molecular consequence: missense variant.
Genome position (GRCh38, 1-based): chr4:6,301,691, G>T. VCF-style: chr4-6301691-G-T. GRCh37 (hg19) VCF-style: chr4-6303418-G-T.
Other names: c.1896G>T, p.Met632Ile (NM_001145853.1); short protein forms M632I.
Identifiers: ClinVar variation 393390 (VCV000393390.11), dbSNP rs1057524890, ClinGen allele CA16609253.